The following is an entry in ClinVar:

ClinVar aggregate classification (germline): Benign (1 of 4 stars; one submission).

Conditions:
Lynch syndrome 5 (LYNCH5). Also called: Colorectal cancer, hereditary nonpolyposis, type 5; Hereditary non-polyposis colorectal cancer, type 5. Identifiers: Orphanet 144, MedGen C1833477, MONDO:0013710, OMIM 614350. Disease mechanism: loss of function.

Submission:

Myriad Genetics, Inc.
Classification: Benign for Lynch syndrome 5. Last evaluated: 2024-12-26. Review status: criteria provided, single submitter. Criteria: Myriad Autosomal Dominant, Autosomal Recessive and X-Linked Classification Criteria (2023). Collection method: clinical testing. Allele origin: unknown.
Comment: This variant is considered benign. This variant is a silent/synonymous amino acid change and it is not expected to impact splicing.

NM_000179.3(MSH6):c.1437A>G (p.Lys479=)

Gene: MSH6 (mutS homolog 6; plus strand). Cytogenetic location: 2p16.3.
Variant type: single nucleotide variant.
Coding change: c.1437A>G on transcript NM_000179.3 (MANE Select); coding-DNA position 1437, A replaced by G.
Protein change: p.Lys479=; no amino-acid change (lysine 479 retained).
Molecular consequence: synonymous variant. On other transcripts: non-coding transcript variant (4), intron variant (1).
Genome position (GRCh38, 1-based): chr2:47,799,420, A>G. VCF-style: chr2-47799420-A-G. GRCh37 (hg19) VCF-style: chr2-48026559-A-G.
Other names: c.1047A>G, p.Lys349= (NM_001281492.2); c.531A>G, p.Lys177= (NM_001281493.2, NM_001281494.2, NM_001406811.1 and 6 more transcripts); c.1533A>G, p.Lys511= (NM_001406795.1, NM_001406802.1); c.1437A>G, p.Lys479= (NM_001406796.1, NM_001406798.1, NM_001406800.1 and 4 more transcripts); c.1140A>G, p.Lys380= (NM_001406797.1, NM_001406801.1, NM_001406805.1 and 10 more transcripts); c.912A>G, p.Lys304= (NM_001406799.1, NM_001406806.1, NM_001406807.1); c.1359A>G, p.Lys453= (NM_001406804.1); c.1443A>G, p.Lys481= (NM_001406813.1); and 2 more.
Identifiers: ClinVar variation 3904653 (VCV003904653.1).